The following is an entry in ClinVar:

NM_000552.5(VWF):c.7729+27T>C

Gene: VWF (von Willebrand factor; minus strand). Cytogenetic location: 12p13.31.
Variant type: single nucleotide variant.
Coding change: c.7729+27T>C on transcript NM_000552.5 (MANE Select); 27 bases into the intron after coding-DNA position 7729, T replaced by C.
Molecular consequence: intron variant.
Genome position (GRCh38, 1-based): chr12:5,969,184, A>G on the plus strand (T>C on the coding strand, the complement: VWF is on the minus strand). VCF-style: chr12-5969184-A-G. GRCh37 (hg19) VCF-style: chr12-6078350-A-G.
Identifiers: ClinVar variation 3902410 (VCV003902410.1).
Genomic context (GRCh38, chr12:5,969,184, plus strand): 5'-AAAGGCAAAGAATTCAGGAGCCAAAAGTGGAAAGAGAGGCTTAAAGGTGGTGCCCGGTCC[A>G]GCCCAGCCCCAGCCTGCATGCCTTACCACAGCGACAGCTTGGGCAGCACGCTGAGGTCTT-3'

ClinVar aggregate classification (germline): Likely benign (1 of 4 stars; one submission).

gnomAD v4.1: 161 of 1,600,120 alleles (0.01%); highest among the groups gnomAD compares: South Asian, 0.16%; 1 homozygote.

Submission:

Women's Health and Genetics/Laboratory Corporation of America, LabCorp
Classification: Likely benign. Last evaluated: 2025-05-08. Review status: criteria provided, single submitter. Criteria: LabCorp Variant Classification Summary - May 2015. Collection method: clinical testing. Allele origin: germline.
Comment: Variant summary: VWF c.7729+27T>C is located at a position not widely known to affect splicing. Consensus agreement among computation tools predict no significant impact on normal splicing. However, these predictions have yet to be confirmed by functional studies. The variant allele was found at a frequency of 0.00024 in 225566 control chromosomes (gnomAD). This frequency is not significantly higher than estimated for a pathogenic variant in VWF causing Von Willebrand Disease, allowing no conclusion about variant significance. To our knowledge, no experimental evidence demonstrating its impact on protein function have been reported. No submitters have cited clinical-significance assessments for this variant to ClinVar. Based on the evidence outlined above, the variant was classified as likely benign.